The following is an entry in ClinVar:

NM_020778.4:c.436_440dup

Gene: ALPK3 (alpha kinase 3; plus strand).
Variant type: Insertion.
Other names: p.Glu148Glnfs*8.
Identifiers: ClinVar variation 4684023 (VCV004684023.1).

ClinVar aggregate classification (germline): Benign (1 of 4 stars; one submission).

Submission:

Mayo Clinic Laboratories, Mayo Clinic
Classification: Benign. Last evaluated: 2024-03-27. Review status: criteria provided, single submitter. Criteria: ACMG Guidelines, 2015. Collection method: clinical testing. Allele origin: germline. Observed: 4 variant alleles.
Comment: BS1, BS2